The following is an entry in ClinVar:

NC_000022.10:g.(?_21348827)_(21351637_?)dup

Gene: LZTR1 (leucine zipper like post translational regulator 1; plus strand). Cytogenetic location: 22q11.21.
Variant type: Duplication.
Identifiers: ClinVar variation 2425643 (VCV002425643.4).

ClinVar aggregate classification (germline): Uncertain significance (1 of 4 stars; one submission).

Submission:

Labcorp Genetics (formerly Invitae), Labcorp
Classification: Uncertain significance. Last evaluated: 2021-11-12. Review status: criteria provided, single submitter. Criteria: Invitae Variant Classification Sherloc (09022015). Collection method: clinical testing. Allele origin: germline.
Comment: This variant results in a copy number gain of the genomic region encompassing exon(s) 15-21 of the LZTR1 gene. This region includes the termination codon of the gene. This copy number gain extends beyond the assayed region for this gene and therefore may encompass additional genes. As the precise location of this event is unknown, it may be in tandem or it may be located elsewhere in the genome. This variant has not been reported in the literature in individuals affected with LZTR1-related conditions. Experimental studies and prediction algorithms are not available or were not evaluated, and the functional significance of this variant is currently unknown. In summary, the available evidence is currently insufficient to determine the role of this variant in disease. Therefore, it has been classified as a Variant of Uncertain Significance.